The following is an entry in ClinVar:

ClinVar aggregate classification (germline): Conflicting classifications of pathogenicity. Review status: criteria provided, conflicting classifications (1 of 4 stars). 5 submissions from 3 submitters: Uncertain significance (3); Likely benign (2). Last evaluated 2023-02-08.

Conditions:
Familial Mediterranean fever (FMF). Also called: Periodic peritonitis; Benign paroxysmal peritonitis; POLYSEROSITIS, FAMILIAL PAROXYSMAL; POLYSEROSITIS, RECURRENT. Identifiers: Orphanet 342, MedGen C0031069, MONDO:0018088, OMIM 249100. Disease mechanism: gain of function.
Familial Mediterranean fever, autosomal dominant. Also called: Dominant Familial Mediterranean Fever; FMF, AUTOSOMAL DOMINANT. Identifiers: Orphanet 342, MedGen C1851347, MONDO:0007601, OMIM 134610.
Acute febrile neutrophilic dermatosis (AFND). Also called: Sweet Syndrome; Gomm Button disease. Identifiers: Orphanet 3243, MedGen C0085077, MONDO:0011959, OMIM 608068.

Allele frequency attached by ClinVar (database versions not stated): gnomAD exomes 0.00001.
gnomAD v4.1: 8 of 1,614,198 alleles (0.0005%); highest among the groups gnomAD compares: East Asian, 0.018%; no homozygotes.

Submissions (5):

Genome-Nilou Lab
Classification: Uncertain significance for Familial Mediterranean fever. Last evaluated: 2023-02-08. Review status: criteria provided, single submitter. Criteria: ACMG Guidelines, 2015. Collection method: clinical testing. Allele origin: germline.

Genome-Nilou Lab
Classification: Likely benign for Familial Mediterranean fever, autosomal dominant. Last evaluated: 2023-02-08. Review status: criteria provided, single submitter. Criteria: ACMG Guidelines, 2015. Collection method: clinical testing. Allele origin: germline.

Genome-Nilou Lab
Classification: Likely benign for Acute febrile neutrophilic dermatosis. Last evaluated: 2023-02-08. Review status: criteria provided, single submitter. Criteria: ACMG Guidelines, 2015. Collection method: clinical testing. Allele origin: germline.

Fulgent Genetics
Classification: Uncertain significance for Familial Mediterranean fever, autosomal dominant; Familial Mediterranean fever; Acute febrile neutrophilic dermatosis. Last evaluated: 2021-11-24. Review status: criteria provided, single submitter. Criteria: ACMG Guidelines, 2015. Collection method: clinical testing. Allele origin: unknown.

Labcorp Genetics (formerly Invitae), Labcorp
Classification: Uncertain significance for Familial Mediterranean fever. Last evaluated: 2021-08-31. Review status: criteria provided, single submitter. Criteria: Invitae Variant Classification Sherloc (09022015). Collection method: clinical testing. Allele origin: germline.
Comment: This sequence change replaces glutamine with arginine at codon 562 of the MEFV protein (p.Gln562Arg). The glutamine residue is weakly conserved and there is a small physicochemical difference between glutamine and arginine. This variant is not present in population databases (ExAC no frequency). This variant has not been reported in the literature in individuals affected with MEFV-related conditions. Algorithms developed to predict the effect of missense changes on protein structure and function output the following: SIFT: "Tolerated"; PolyPhen-2: "Benign"; Align-GVGD: "Class C0". The arginine amino acid residue is found in multiple mammalian species, which suggests that this missense change does not adversely affect protein function. In summary, the available evidence is currently insufficient to determine the role of this variant in disease. Therefore, it has been classified as a Variant of Uncertain Significance.

NM_000243.3(MEFV):c.1685A>G (p.Gln562Arg)

Genes: MEFV (MEFV innate immunity regulator, pyrin; minus strand), LOC126862264 (CDK7 strongly-dependent group 2 enhancer GRCh37_chr16:3293322-3294521; plus strand). Cytogenetic location: 16p13.3.
Variant type: single nucleotide variant.
Coding change: c.1685A>G on transcript NM_000243.3 (MANE Select); coding-DNA position 1685, A replaced by G.
Protein change: p.Gln562Arg; replaces glutamine 562 with arginine.
Molecular consequence: missense variant.
Genome position (GRCh38, 1-based): chr16:3,244,514, T>C on the plus strand (A>G on the coding strand, the complement: MEFV is on the minus strand). VCF-style: chr16-3244514-T-C. GRCh37 (hg19) VCF-style: chr16-3294514-T-C.
Other names: c.1052A>G, p.Gln351Arg (NM_001198536.2); short protein forms Q351R, Q562R.
Identifiers: ClinVar variation 1467370 (VCV001467370.10), dbSNP rs1033941048, ClinGen allele CA276896123.